The following is an entry in ClinVar:

NC_000023.10:g.(?_32583799)_(32663289_?)del

Gene: DMD (dystrophin; minus strand). Cytogenetic location: Xp21.1.
Variant type: Deletion.
Identifiers: ClinVar variation 2424880 (VCV002424880.4).

ClinVar aggregate classification (germline): Pathogenic (1 of 4 stars; one submission).

Conditions:
Duchenne muscular dystrophy (DMD). Also called: Duchenne Muscular Dystrophy (DMD); MUSCULAR DYSTROPHY, PSEUDOHYPERTROPHIC PROGRESSIVE, DUCHENNE TYPE. Identifiers: Orphanet 98896, MedGen C0013264, MONDO:0010679, OMIM 310200.

Submission:

Labcorp Genetics (formerly Invitae), Labcorp
Classification: Pathogenic for Duchenne muscular dystrophy. Last evaluated: 2022-07-22. Review status: criteria provided, single submitter. Criteria: Invitae Variant Classification Sherloc (09022015). Collection method: clinical testing. Allele origin: germline.
Comment: This variant is a gross deletion of the genomic region encompassing exon(s) 10-16 of the DMD gene. This variant would be expected to be in-frame, preserving the integrity of the reading frame. A similar copy number variant has been observed in individual(s) with Becker muscular dystrophy (PMID: 31197268). This variant disrupts a region of the DMD protein in which other variant(s) (Deletion (Exon 13)) have been determined to be pathogenic (PMID: 18353051, 22379338, 28116794, 28610567). This suggests that this is a clinically significant region of the protein, and that variants that disrupt it are likely to be disease-causing. For these reasons, this variant has been classified as Pathogenic.

Literature cited by the submitters: PubMed 31197268; PubMed 18353051; PubMed 22379338; PubMed 28116794; PubMed 28610567.